The following is an entry in ClinVar:

NM_000812.4(GABRB1):c.81-3T>C

Gene: GABRB1 (gamma-aminobutyric acid type A receptor subunit beta1; plus strand). Cytogenetic location: 4p12.
Variant type: single nucleotide variant.
Coding change: c.81-3T>C on transcript NM_000812.4 (MANE Select); 3 bases into the intron before coding-DNA position 81, T replaced by C.
Molecular consequence: intron variant.
Genome position (GRCh38, 1-based): chr4:47,031,911, T>C. VCF-style: chr4-47031911-T-C. GRCh37 (hg19) VCF-style: chr4-47033928-T-C.
Identifiers: ClinVar variation 1499966 (VCV001499966.6), dbSNP rs2109466189, ClinGen allele CA2573137868.

ClinVar aggregate classification (germline): Uncertain significance (1 of 4 stars; one submission).

Submission:

Labcorp Genetics (formerly Invitae), Labcorp
Classification: Uncertain significance. Last evaluated: 2021-04-06. Review status: criteria provided, single submitter. Criteria: Invitae Variant Classification Sherloc (09022015). Collection method: clinical testing. Allele origin: germline.
Comment: This sequence change falls in intron 1 of the GABRB1 gene. It does not directly change the encoded amino acid sequence of the GABRB1 protein. It affects a nucleotide within the consensus splice site of the intron. This variant is not present in population databases (ExAC no frequency). This variant has not been reported in the literature in individuals with GABRB1-related conditions. Nucleotide substitutions within the consensus splice site are a relatively common cause of aberrant splicing (PMID: 17576681, 9536098). Algorithms developed to predict the effect of sequence changes on RNA splicing suggest that this variant is not likely to affect RNA splicing, but this prediction has not been confirmed by published transcriptional studies. In summary, the available evidence is currently insufficient to determine the role of this variant in disease. Therefore, it has been classified as a Variant of Uncertain Significance.

Literature cited by the submitters: PubMed 17576681; PubMed 9536098.